The following is an entry in ClinVar:

ClinVar aggregate classification (germline): Likely pathogenic. Review status: reviewed by expert panel (3 of 4 stars). 2 submissions from 2 submitters: Likely pathogenic (1). 1 of the submissions does not count toward it. Last evaluated 2025-06-30.

Conditions:
RPE65-related recessive retinopathy. Also called: Recessive RPE65 retinopathy. Identifiers: MedGen CN305526, MONDO:0100368.
Leber congenital amaurosis 2 (LCA2). Also called: Autosomal Recessive RPE65-Related Retinal Degeneration; AMAUROSIS CONGENITA OF LEBER II. Identifiers: Orphanet 65, MedGen C1859844, MONDO:0008765, OMIM 204100. Disease mechanism: loss of function.

Submissions (2):

ClinGen Leber Congenital Amaurosis/early Onset Retinal Dystrophy Variant Curation Expert Panel, ClinGen
Classification: Likely pathogenic for RPE65-related recessive retinopathy. Last evaluated: 2025-06-30. Review status: reviewed by expert panel. Criteria: ClinGen LCAeoRD ACMG Specifications RPE65 V1.0.0. Collection method: curation. Allele origin: germline. Inheritance: Autosomal recessive inheritance.
Comment: NM_000329.3(RPE65):c.1596dup (p.Ser533IlefsTer30) is a single nucleotide duplication that replaces serine with isoleucine as the last amino acid of RPE65, causes a frameshift, and adds 30 amino acids to the end of the RPE65 protein (PVS1_Strong). This variant is absent from gnomAD v4.1.0 (PM2_Supporting). This variant has been reported in at least 1 proband with early-onset severe retinal dystrophy who harbored the variant in the compound heterozygous state with the NM_000329.3(RPE65):c.1443_1445del (p.Glu481del) variant confirmed in trans, which has been classified as likely pathogenic by the ClinGen LCA / eoRD VCEP (PM3). At least one proband harboring this variant exhibits a phenotype including diagnosis of congenital stationary night blindness (0.5 pts), which is not sufficiently specific for RPE65-related recessive retinopathy (0.5 points total, VCEP member-provided data) so the PP4 code is not met. In summary, this variant meets the criteria to be classified as likely pathogenic for RPE65-related recessive retinopathy based on the ACMG/AMP criteria applied, as specified by the ClinGen LCA/eoRD VCEP: PVS1_Strong, PM2_Supporting, and PM3. (VCEP specifications version 1.0.0; date of approval 09/21/2023).

Laboratory of Genetics in Ophthalmology, Institut Imagine
Classification: Pathogenic for Leber congenital amaurosis 2. Review status: no assertion criteria provided. Collection method: research. Allele origin: inherited. Affected: yes. Observed: 1 variant allele. Not counted in ClinVar's aggregate classification.

NM_000329.3(RPE65):c.1596dup (p.Ser533fs)

Gene: RPE65 (retinoid isomerohydrolase RPE65; minus strand). Cytogenetic location: 1p31.3.
Variant type: Duplication.
Coding change: c.1596dup on transcript NM_000329.3 (MANE Select); coding-DNA position 1596, one base duplicated (A; older notation c.1596dupA).
Protein change: p.Ser533fs; shifts the reading frame from serine 533.
Molecular consequence: frameshift variant.
Genome position (GRCh38, 1-based): chr1:68,429,782, T duplicated on the plus strand (A on the coding strand, the reverse complement: RPE65 is on the minus strand); the first of 6 consecutive T bases (chr1:68,429,782-68,429,787); duplicating any one gives the same sequence. VCF-style (leftmost placement, unchanged base first): chr1-68429781-A-AT. GRCh37 (hg19) VCF-style: chr1-68895464-A-AT.
Other names: NM_000329.3(RPE65):c.1596dup; p.Ser533fs; short protein forms S533fs.
Identifiers: ClinVar variation 973968 (VCV000973968.2), dbSNP rs1645806893, ClinGen allele CA1139655485.